The following is an entry in ClinVar:

ClinVar aggregate classification (germline): Uncertain significance (1 of 4 stars; one submission).

Allele frequency attached by ClinVar (database versions not stated): gnomAD 0.00001; gnomAD exomes 0.00001 and 0.00002; TOPMed 0.00001; ExAC 0.00002.
gnomAD v4.1: 19 of 1,613,866 alleles (0.0012%); highest among the groups gnomAD compares: Non-Finnish European, 0.0016%; no homozygotes.

Submission:

Labcorp Genetics (formerly Invitae), Labcorp
Classification: Uncertain significance. Last evaluated: 2023-12-06. Review status: criteria provided, single submitter. Criteria: Invitae Variant Classification Sherloc (09022015). Collection method: clinical testing. Allele origin: germline.
Comment: This sequence change replaces phenylalanine, which is neutral and non-polar, with leucine, which is neutral and non-polar, at codon 286 of the DISP1 protein (p.Phe286Leu). This variant is present in population databases (rs749297185, gnomAD 0.004%). This variant has not been reported in the literature in individuals affected with DISP1-related conditions. ClinVar contains an entry for this variant (Variation ID: 1349405). An algorithm developed to predict the effect of missense changes on protein structure and function (PolyPhen-2) suggests that this variant is likely to be tolerated. In summary, the available evidence is currently insufficient to determine the role of this variant in disease. Therefore, it has been classified as a Variant of Uncertain Significance.

NM_001377229.1(DISP1):c.856T>C (p.Phe286Leu)

Gene: DISP1 (dispatched RND transporter family member 1; plus strand). Cytogenetic location: 1q41.
Variant type: single nucleotide variant.
Coding change: c.856T>C on transcript NM_001377229.1 (MANE Select); coding-DNA position 856, T replaced by C.
Protein change: p.Phe286Leu; replaces phenylalanine 286 with leucine.
Molecular consequence: missense variant.
Genome position (GRCh38, 1-based): chr1:222,992,077, T>C. VCF-style: chr1-222992077-T-C. GRCh37 (hg19) VCF-style: chr1-223165419-T-C.
Other names: c.127T>C, p.Phe43Leu (NM_001350630.2); c.856T>C, p.Phe286Leu (NM_001369594.1, NM_001377228.1, NM_032890.5); short protein forms F43L, F286L.
Identifiers: ClinVar variation 1349405 (VCV001349405.8), dbSNP rs749297185, ClinGen allele CA1408925.